The following is an entry in ClinVar:

NM_000026.4(ADSL):c.1187G>A (p.Arg396His)

Gene: ADSL (adenylosuccinate lyase; plus strand). Cytogenetic location: 22q13.1.
Variant type: single nucleotide variant.
Coding change: c.1187G>A on transcript NM_000026.4 (MANE Select); coding-DNA position 1187, G replaced by A.
Protein change: p.Arg396His; replaces arginine 396 with histidine.
Molecular consequence: missense variant. On other transcripts: non-coding transcript variant (1).
Genome position (GRCh38, 1-based): chr22:40,364,361, G>A. VCF-style: chr22-40364361-G-A. GRCh37 (hg19) VCF-style: chr22-40760365-G-A.
Other names: p.R396H:CGC>CAC; c.1187G>A, p.Arg396His (NM_001123378.3, NM_001363840.3); c.995G>A, p.Arg332His (NM_001317923.2); short protein forms R396H, R332H.
Identifiers: ClinVar variation 204796 (VCV000204796.54), dbSNP rs763542069, ClinGen allele CA313112.

ClinVar aggregate classification (germline): Pathogenic/Likely pathogenic. Review status: criteria provided, multiple submitters, no conflicts (2 of 4 stars). 5 submissions from 5 submitters: Pathogenic (4); Likely pathogenic (1). Last evaluated 2025-09-24.

Conditions:
Adenylosuccinate lyase deficiency (ADSLD). Also called: ADSL DEFICIENCY. Identifiers: Orphanet 46, MedGen C0268126, MONDO:0007068, OMIM 103050.

Allele frequency attached by ClinVar (database versions not stated): gnomAD 0.00001; TOPMed 0.00002; gnomAD exomes 0.00004; ExAC 0.00005.
gnomAD v4.1: 41 of 1,613,326 alleles (0.0025%); highest among the groups gnomAD compares: East Asian, 0.031%; no homozygotes.

Submissions (5):

Labcorp Genetics (formerly Invitae), Labcorp
Classification: Pathogenic for Adenylosuccinate lyase deficiency. Last evaluated: 2025-09-24. Review status: criteria provided, single submitter. Criteria: Invitae Variant Classification Sherloc (09022015). Collection method: clinical testing. Allele origin: germline.
Comment: This sequence change replaces arginine, which is basic and polar, with histidine, which is basic and polar, at codon 396 of the ADSL protein (p.Arg396His). This variant is present in population databases (rs763542069, gnomAD 0.01%). This missense change has been observed in individual(s) with adenylosuccinate lyase deficiency (PMID: 12368987, 16839792; internal data). In at least one individual the data is consistent with being in trans (on the opposite chromosome) from a pathogenic variant. ClinVar contains an entry for this variant (Variation ID: 204796). Invitae Evidence Modeling of protein sequence and biophysical properties (such as structural, functional, and spatial information, amino acid conservation, physicochemical variation, residue mobility, and thermodynamic stability) indicates that this missense variant is expected to disrupt ADSL protein function with a positive predictive value of 80%. Experimental studies have shown that this missense change affects ADSL function (PMID: 19405474, 20127976). This variant disrupts the p.Arg396 amino acid residue in ADSL. Other variant(s) that disrupt this residue have been observed in individuals with ADSL-related conditions (PMID: 17188615), which suggests that this may be a clinically significant amino acid residue. For these reasons, this variant has been classified as Pathogenic.

GeneDx
Classification: Pathogenic. Last evaluated: 2024-01-26. Review status: criteria provided, single submitter. Criteria: GeneDx Variant Classification Process June 2021. Collection method: clinical testing. Allele origin: germline. Affected: yes.
Comment: Published functional studies demonstrate a damaging effect as this variant reduces ADSL enzyme activity (PMID: 19405474, 20127976, 21210713); In silico analysis supports that this missense variant has a deleterious effect on protein structure/function; Not observed at significant frequency in large population cohorts (gnomAD); This variant is associated with the following publications: (PMID: 21210713, 19405474, 20127976, 12368987, 16839792, 32405461, 33648541, 30573755)

Revvity Omics, Revvity
Classification: Pathogenic for Adenylosuccinate lyase deficiency. Last evaluated: 2021-07-09. Review status: criteria provided, single submitter. Criteria: ACMG Guidelines, 2015. Collection method: clinical testing. Allele origin: germline.

CeGaT Center for Human Genetics Tuebingen
Classification: Pathogenic. Last evaluated: 2020-02-01. Review status: criteria provided, single submitter. Criteria: CeGaT Center For Human Genetics Tuebingen Variant Classification Criteria Version 2. Collection method: clinical testing. Allele origin: germline. Affected: yes. Observed: 1 variant allele.

Illumina Laboratory Services, Illumina
Classification: Likely pathogenic for Adenylosuccinate lyase deficiency. Last evaluated: 2017-05-05. Review status: criteria provided, single submitter. Criteria: ICSL Variant Classification Criteria 09 May 2019. Collection method: clinical testing. Allele origin: germline.
Comment: The ADSL c.1187G>A (p.Arg396His) missense variant has been reported in two studies in a compound heterozygous state with other missense variants in two individuals with adenylosuccinase deficiency (Castro et al. 2002; Zikanova et al. 2010). One individual presented with intellectual disability while the other presented a neonatal fatal form of the disorder. Control data are unavailable for the p.Arg396His variant, which is reported at a frequency of 0.00012 in the Latino population of the Genome Aggregation Database. Functional studies using biochemical and biophysical techniques have shown the p.Arg396His variant to have low residual enzyme activity and increased thermal instability (Ariyananda et al. 2009; Zikanova et al. 2010; Ariyananda et al. 2011). Based on the clinical and functional evidence, the p.Arg396His variant is classified as likely pathogenic for adenylosuccinase deficiency. This variant was observed by ICSL as part of a predisposition screen in an ostensibly healthy population.

Literature cited by the submitters: PubMed 12368987 (cited by Labcorp Genetics (formerly Invitae), Labcorp and Illumina Laboratory Services, Illumina); PubMed 16839792 (cited by Labcorp Genetics (formerly Invitae), Labcorp); PubMed 19405474 (cited by Labcorp Genetics (formerly Invitae), Labcorp and Illumina Laboratory Services, Illumina); PubMed 20127976 (cited by Labcorp Genetics (formerly Invitae), Labcorp and Illumina Laboratory Services, Illumina); PubMed 17188615 (cited by Labcorp Genetics (formerly Invitae), Labcorp); PubMed 21210713 (cited by Illumina Laboratory Services, Illumina).